The following is an entry in ClinVar:

ClinVar aggregate classification (germline): Uncertain significance (1 of 4 stars; one submission).

Conditions:
Hereditary cancer-predisposing syndrome. Also called: Neoplastic Syndromes, Hereditary; Tumor predisposition; Hereditary Cancer Syndrome; Hereditary neoplastic syndrome. Identifiers: Orphanet 140162, MedGen C0027672, MeSH D009386, MONDO:0015356.

Submission:

Ambry Genetics
Classification: Uncertain significance for Hereditary cancer-predisposing syndrome. Last evaluated: 2026-03-21. Review status: criteria provided, single submitter. Criteria: Ambry Variant Classification Scheme 2023. Collection method: clinical testing. Allele origin: germline.
Comment: The p.P853S variant (also known as c.2557C>T), located in coding exon 17 of the BRIP1 gene, results from a C to T substitution at nucleotide position 2557. The proline at codon 853 is replaced by serine, an amino acid with similar properties. This amino acid position is conserved. In addition, the in silico prediction for this alteration is inconclusive. Based on the available evidence, the clinical significance of this variant remains unclear.

NM_032043.3(BRIP1):c.2557C>T (p.Pro853Ser)

Gene: BRIP1 (BRCA1 interacting DNA helicase 1; minus strand). Cytogenetic location: 17q23.2.
Variant type: single nucleotide variant.
Coding change: c.2557C>T on transcript NM_032043.3 (MANE Select); coding-DNA position 2557, C replaced by T.
Protein change: p.Pro853Ser; replaces proline 853 with serine.
Molecular consequence: missense variant.
Genome position (GRCh38, 1-based): chr17:61,693,448, G>A on the plus strand (C>T on the coding strand, the complement: BRIP1 is on the minus strand). VCF-style: chr17-61693448-G-A. GRCh37 (hg19) VCF-style: chr17-59770809-G-A.
Other names: short protein forms P853S.
Identifiers: ClinVar variation 4867905 (VCV004867905.1).
Genomic context (GRCh38, chr17:61,693,448, plus strand): 5'-GATTGTTACTAGTTTTTACTCTAAGCCCAGCTGAGATCTTACCAGATATATAGCGACTTG[G>A]GTTATTCCTAAAGCGATCATCCACTAGAATAAGAGCTCCCCAATCATTTCTGTGTCTAAT-3'
Protein context (NP_114432.2, residues 843-863): ILVDDRFRNN[Pro853Ser]SRYISGLSKW